The following is an entry in ClinVar:

NM_001134363.3(RBM20):c.1352G>A (p.Cys451Tyr)

Gene: RBM20 (RNA binding motif protein 20; plus strand). Cytogenetic location: 10q25.2.
Variant type: single nucleotide variant.
Coding change: c.1352G>A on transcript NM_001134363.3 (MANE Select); coding-DNA position 1352, G replaced by A.
Protein change: p.Cys451Tyr; replaces cysteine 451 with tyrosine.
Molecular consequence: missense variant.
Genome position (GRCh38, 1-based): chr10:110,784,355, G>A. VCF-style: chr10-110784355-G-A. GRCh37 (hg19) VCF-style: chr10-112544113-G-A.
Other names: short protein forms C451Y.
Identifiers: ClinVar variation 966760 (VCV000966760.9), dbSNP rs1844393396, ClinGen allele CA378387619.
Genomic context (GRCh38, chr10:110,784,355, plus strand): 5'-TGTTTAACTTATTAAGGAGCCGGTTTCCCTTTCTCGCCCTCTCCAGTGCTGGCATCCGGT[G>A]TATACTTGGTTCGGCAGAGGGAACATTGTGTGCTTCTCCCAACAGCACAGCTGTTTATAA-3'
Protein context (NP_001127835.2, residues 441-461): LVFSENAGIR[Cys451Tyr]ILGSAEGTLC

ClinVar aggregate classification (germline): Uncertain significance (1 of 4 stars; one submission).

Conditions:
Dilated cardiomyopathy 1DD (CMD1DD). Identifiers: Orphanet 154, MedGen C2750995, MONDO:0013168, OMIM 613172.

Submission:

Labcorp Genetics (formerly Invitae), Labcorp
Classification: Uncertain significance for Dilated cardiomyopathy 1DD. Last evaluated: 2019-11-04. Review status: criteria provided, single submitter. Criteria: Invitae Variant Classification Sherloc (09022015). Collection method: clinical testing. Allele origin: germline.
Comment: This sequence change replaces cysteine with tyrosine at codon 451 of the RBM20 protein (p.Cys451Tyr). The cysteine residue is weakly conserved and there is a large physicochemical difference between cysteine and tyrosine. This variant is not present in population databases (ExAC no frequency). This variant has not been reported in the literature in individuals with RBM20-related conditions. Algorithms developed to predict the effect of missense changes on protein structure and function are either unavailable or do not agree on the potential impact of this missense change (SIFT: "Not Available"; PolyPhen-2: "Possibly Damaging"; Align-GVGD: "Class C0"). In summary, the available evidence is currently insufficient to determine the role of this variant in disease. Therefore, it has been classified as a Variant of Uncertain Significance.